The following is an entry in ClinVar:

NM_000123.4(ERCC5):c.*89G>A

Genes: BIVM-ERCC5 (BIVM-ERCC5 readthrough; plus strand), ERCC5 (ERCC excision repair 5, endonuclease; plus strand). Cytogenetic location: 13q33.1.
Variant type: single nucleotide variant.
Coding change: c.*89G>A on transcript NM_000123.4 (MANE Select); 89 bases downstream of the stop codon, G replaced by A.
Molecular consequence: 3 prime UTR variant.
Genome position (GRCh38, 1-based): chr13:102,875,992, G>A. VCF-style: chr13-102875992-G-A. GRCh37 (hg19) VCF-style: chr13-103528342-G-A.
Other names: c.*89G>A (NM_001204425.2).
Identifiers: ClinVar variation 310946 (VCV000310946.7), dbSNP rs4150390, ClinGen allele CA10633804.

ClinVar aggregate classification (germline): Benign. Review status: criteria provided, multiple submitters, no conflicts (2 of 4 stars). 3 submissions from 3 submitters: Benign (3). Last evaluated 2019-02-24.

Conditions:
Xeroderma pigmentosum, group G (XPG). Also called: XERODERMA PIGMENTOSUM VII; XP, GROUP G; Xeroderma pigmentosum type 7; ERCC5-Related Xeroderma Pigmentosum. Identifiers: MedGen C0268141, MONDO:0010216, OMIM 278780.

Allele frequency attached by ClinVar (database versions not stated): TOPMed 0.01909; 1000 Genomes Project 0.02017; 1000 Genomes Project 30x 0.02108; gnomAD 0.02491 and 0.02505.
gnomAD v4.1: 40,299 of 1,478,836 alleles (2.7%); highest among the groups gnomAD compares: Non-Finnish European, 2.9%; 702 homozygotes.

Submissions (3):

GeneDx
Classification: Benign. Last evaluated: 2019-02-24. Review status: criteria provided, single submitter. Criteria: GeneDx Variant Classification Process June 2021. Collection method: clinical testing. Allele origin: germline. Affected: yes.

Illumina Laboratory Services, Illumina
Classification: Benign for Xeroderma pigmentosum, group G. Last evaluated: 2018-01-13. Review status: criteria provided, single submitter. Criteria: ICSL Variant Classification Criteria 13 December 2019. Collection method: clinical testing. Allele origin: germline.
Comment: This variant was observed in the ICSL laboratory as part of a predisposition screen in an ostensibly healthy population. It had not been previously curated by ICSL or reported in the Human Gene Mutation Database (HGMD: prior to June 1st, 2018), and was therefore a candidate for classification through an automated scoring system. Utilizing variant allele frequency, disease prevalence and penetrance estimates, and inheritance mode, an automated score was calculated to assess if this variant is too frequent to cause the disease. Based on the score and internal cut-off values, a variant classified as benign is not then subjected to further curation. The score for this variant resulted in a classification of benign for this disease.

Breakthrough Genomics
Classification: Benign. Review status: criteria provided, single submitter. Criteria: ACMG Guidelines, 2015. Collection method: not provided. Allele origin: germline. Inheritance: Autosomal recessive inheritance. Affected: yes.